The following is an entry in ClinVar:

NM_001330360.2(POLA1):c.613G>A (p.Ala205Thr)

Gene: POLA1 (DNA polymerase alpha 1, catalytic subunit; plus strand). Cytogenetic location: Xp22.11.
Variant type: single nucleotide variant.
Coding change: c.613G>A on transcript NM_001330360.2 (MANE Select); coding-DNA position 613, G replaced by A.
Protein change: p.Ala205Thr; replaces alanine 205 with threonine.
Molecular consequence: missense variant. On other transcripts: non-coding transcript variant (2).
Genome position (GRCh38, 1-based): chrX:24,716,449, G>A. VCF-style: chrX-24716449-G-A. GRCh37 (hg19) VCF-style: chrX-24734566-G-A.
Other names: c.613G>A, p.Ala205Thr (NM_001378303.1, NM_001440806.1); c.595G>A, p.Ala199Thr (NM_016937.4); short protein forms A205T, A199T.
Identifiers: ClinVar variation 4775049 (VCV004775049.1).
Genomic context (GRCh38, chrX:24,716,449, plus strand): 5'-ATGATACTGAAGAAGAAAAGATCCATTGGAGCTTCACCGAATCCTTTCTCTGTGCACACC[G>A]CCACGGTAAAGTGTGTAGAGATACCTTCAATCTTGATTTATAGTATTGCTTTAAACTTAT-3'
Protein context (NP_001317289.1, residues 195-215): ASPNPFSVHT[Ala205Thr]TAVPSGKIAS

ClinVar aggregate classification (germline): Uncertain significance (1 of 4 stars; one submission).

Submission:

Labcorp Genetics (formerly Invitae), Labcorp
Classification: Uncertain significance. Last evaluated: 2026-01-30. Review status: criteria provided, single submitter. Criteria: Invitae Variant Classification Sherloc (09022015). Collection method: clinical testing. Allele origin: germline.
Comment: This sequence change replaces alanine, which is neutral and non-polar, with threonine, which is neutral and polar, at codon 199 of the POLA1 protein (p.Ala199Thr). This variant is not present in population databases (gnomAD no frequency). This variant has not been reported in the literature in individuals affected with POLA1-related conditions. Invitae Evidence Modeling of protein sequence and biophysical properties (such as structural, functional, and spatial information, amino acid conservation, physicochemical variation, residue mobility, and thermodynamic stability) indicates that this missense variant is not expected to disrupt POLA1 protein function with a negative predictive value of 80%. In summary, the available evidence is currently insufficient to determine the role of this variant in disease. Therefore, it has been classified as a Variant of Uncertain Significance.